The following is an entry in ClinVar:

NM_024411.5(PDYN):c.724G>A (p.Glu242Lys)

Genes: PDYN (prodynorphin; minus strand), PDYN-AS1 (PDYN antisense RNA 1; plus strand). Cytogenetic location: 20p13.
Variant type: single nucleotide variant.
Coding change: c.724G>A on transcript NM_024411.5 (MANE Select); coding-DNA position 724, G replaced by A.
Protein change: p.Glu242Lys; replaces glutamic acid 242 with lysine.
Molecular consequence: missense variant.
Genome position (GRCh38, 1-based): chr20:1,980,364, C>T on the plus strand (G>A on the coding strand, the complement: PDYN is on the minus strand). VCF-style: chr20-1980364-C-T. GRCh37 (hg19) VCF-style: chr20-1961010-C-T.
Other names: c.724G>A, p.Glu242Lys (NM_001190892.1, NM_001190898.3, NM_001190899.2 and 1 more transcripts); short protein forms E242K.
Identifiers: ClinVar variation 896495 (VCV000896495.9), dbSNP rs1181111571, ClinGen allele CA408002558.
Genomic context (GRCh38, chr20:1,980,364, plus strand): 5'-ACTCCATGAAAAGAGGTGCTTATGCATCAAAAAGCTCTCCAGAGTAAGCATTCGGATCTT[C>T]CTGAGACCGAGTCACCACCTTGAACTGGCGCCGGAGAAAACCGCCATAGCGCTTCTGGTT-3'
Protein context (NP_077722.1, residues 232-252): RQFKVVTRSQ[Glu242Lys]DPNAYSGELF

ClinVar aggregate classification (germline): Uncertain significance. Review status: criteria provided, multiple submitters, no conflicts (2 of 4 stars). 3 submissions from 3 submitters: Uncertain significance (3). Last evaluated 2025-08-09.

Conditions:
Inborn genetic diseases. Identifiers: MedGen C0950123, MeSH D030342.
Spinocerebellar ataxia type 23 (SCA23). Identifiers: Orphanet 101108, MedGen C1853250, MONDO:0012449, OMIM 610245.

Allele frequency attached by ClinVar (database versions not stated): gnomAD exomes 0.00001; gnomAD 0.00002; TOPMed 0.00002.
gnomAD v4.1: 11 of 1,614,052 alleles (0.00068%); highest among the groups gnomAD compares: African/African-American, 0.004%; no homozygotes.

Submissions (3):

Ambry Genetics
Classification: Uncertain significance for Inborn genetic diseases. Last evaluated: 2025-08-09. Review status: criteria provided, single submitter. Criteria: Ambry Variant Classification Scheme 2023. Collection method: clinical testing. Allele origin: germline.

Labcorp Genetics (formerly Invitae), Labcorp
Classification: Uncertain significance. Last evaluated: 2024-04-16. Review status: criteria provided, single submitter. Criteria: Invitae Variant Classification Sherloc (09022015). Collection method: clinical testing. Allele origin: germline.
Comment: This sequence change replaces glutamic acid, which is acidic and polar, with lysine, which is basic and polar, at codon 242 of the PDYN protein (p.Glu242Lys). The frequency data for this variant in the population databases is considered unreliable, as metrics indicate poor data quality at this position in the gnomAD database. This variant has not been reported in the literature in individuals affected with PDYN-related conditions. ClinVar contains an entry for this variant (Variation ID: 896495). Advanced modeling of protein sequence and biophysical properties (such as structural, functional, and spatial information, amino acid conservation, physicochemical variation, residue mobility, and thermodynamic stability) performed at Invitae indicates that this missense variant is expected to disrupt PDYN protein function with a positive predictive value of 80%. In summary, the available evidence is currently insufficient to determine the role of this variant in disease. Therefore, it has been classified as a Variant of Uncertain Significance.

Illumina Laboratory Services, Illumina
Classification: Uncertain significance for Spinocerebellar ataxia type 23. Last evaluated: 2018-01-12. Review status: criteria provided, single submitter. Criteria: ICSL Variant Classification Criteria 13 December 2019. Collection method: clinical testing. Allele origin: germline.